The following is an entry in ClinVar:

ClinVar aggregate classification (germline): Uncertain significance (1 of 4 stars; one submission).

Conditions:
Inborn genetic diseases. Identifiers: MedGen C0950123, MeSH D030342.

gnomAD v4.1: 6 of 1,182,269 alleles (0.00051%); highest among the groups gnomAD compares: Admixed American, 0.0043%; no homozygotes.

Submission:

Ambry Genetics
Classification: Uncertain significance for Inborn genetic diseases. Last evaluated: 2026-02-17. Review status: criteria provided, single submitter. Criteria: Ambry Variant Classification Scheme 2023. Collection method: clinical testing. Allele origin: germline.
Comment: The c.1151A>G (p.Y384C) alteration is located in exon 12 (coding exon 12) of the PHKA2 gene. This alteration results from a A to G substitution at nucleotide position 1151, causing the tyrosine (Y) at amino acid position 384 to be replaced by a cysteine (C). Based on data from gnomAD, the G allele has an overall frequency of 0.001% (2/183501) total alleles studied. The highest observed frequency was 0.007% (2/27429) of Latino alleles. Based on insufficient or conflicting evidence, the clinical significance of this alteration remains unclear.

NM_000292.3(PHKA2):c.1151A>G (p.Tyr384Cys)

Gene: PHKA2 (phosphorylase kinase regulatory subunit alpha 2; minus strand). Cytogenetic location: Xp22.13.
Variant type: single nucleotide variant.
Coding change: c.1151A>G on transcript NM_000292.3 (MANE Select); coding-DNA position 1151, A replaced by G.
Protein change: p.Tyr384Cys; replaces tyrosine 384 with cysteine.
Molecular consequence: missense variant.
Genome position (GRCh38, 1-based): chrX:18,931,735, T>C on the plus strand (A>G on the coding strand, the complement: PHKA2 is on the minus strand). VCF-style: chrX-18931735-T-C. GRCh37 (hg19) VCF-style: chrX-18949853-T-C.
Other names: c.1151A>G, p.Tyr384Cys (NM_001440800.1, NM_001440801.1, NM_001440805.1); c.1052A>G, p.Tyr351Cys (NM_001440802.1, NM_001440803.1, NM_001440804.1); short protein forms Y384C, Y351C.
Identifiers: ClinVar variation 4828985 (VCV004828985.1).